The following is an entry in ClinVar:

ClinVar aggregate classification (germline): Uncertain significance. Review status: criteria provided, multiple submitters, no conflicts (2 of 4 stars). 5 submissions from 5 submitters: Uncertain significance (5). Last evaluated 2026-01-26.

Conditions:
Hereditary spastic paraplegia 57. Also called: Spastic paraplegia 57, autosomal recessive. Identifiers: Orphanet 431329, MedGen C3714897, MONDO:0014295, OMIM 615658.
Hereditary motor and sensory neuropathy, Okinawa type (HMSNO). Also called: HEREDITARY MOTOR AND SENSORY NEUROPATHY, PROXIMAL TYPE. Identifiers: Orphanet 90117, MedGen C1858338, MONDO:0011468, OMIM 604484.
Inborn genetic diseases. Identifiers: MedGen C0950123, MeSH D030342.

Allele frequency attached by ClinVar (database versions not stated): TOPMed 0.00002; gnomAD exomes 0.00003 and 0.00004; gnomAD 0.00006; ExAC 0.00007.
gnomAD v4.1: 73 of 1,613,960 alleles (0.0045%); highest among the groups gnomAD compares: Middle Eastern, 0.016%; 1 homozygote.

Submissions (5):

Labcorp Genetics (formerly Invitae), Labcorp
Classification: Uncertain significance for Hereditary motor and sensory neuropathy, Okinawa type; Hereditary spastic paraplegia 57. Last evaluated: 2026-01-26. Review status: criteria provided, single submitter. Criteria: Invitae Variant Classification Sherloc (09022015). Collection method: clinical testing. Allele origin: germline.
Comment: This sequence change replaces proline, which is neutral and non-polar, with leucine, which is neutral and non-polar, at codon 315 of the TFG protein (p.Pro315Leu). This variant is present in population databases (rs753375115, gnomAD 0.03%), including at least one homozygous and/or hemizygous individual. This variant has not been reported in the literature in individuals affected with TFG-related conditions. ClinVar contains an entry for this variant (Variation ID: 534741). Invitae Evidence Modeling of protein sequence and biophysical properties (such as structural, functional, and spatial information, amino acid conservation, physicochemical variation, residue mobility, and thermodynamic stability) indicates that this missense variant is not expected to disrupt TFG protein function with a negative predictive value of 80%. In summary, the available evidence is currently insufficient to determine the role of this variant in disease. Therefore, it has been classified as a Variant of Uncertain Significance.

Ambry Genetics
Classification: Uncertain significance for Inborn genetic diseases. Last evaluated: 2024-06-19. Review status: criteria provided, single submitter. Criteria: Ambry Variant Classification Scheme 2023. Collection method: clinical testing. Allele origin: germline.

CeGaT Center for Human Genetics Tuebingen
Classification: Uncertain significance. Last evaluated: 2024-02-01. Review status: criteria provided, single submitter. Criteria: CeGaT Center For Human Genetics Tuebingen Variant Classification Criteria Version 2. Collection method: clinical testing. Allele origin: germline. Affected: yes. Observed: 1 variant allele.
Comment: TFG: PM2, BP4

GeneDx
Classification: Uncertain significance. Last evaluated: 2023-02-16. Review status: criteria provided, single submitter. Criteria: GeneDx Variant Classification Process June 2021. Collection method: clinical testing. Allele origin: germline. Affected: yes.
Comment: In silico analysis supports that this missense variant does not alter protein structure/function; Has not been previously published as pathogenic or benign to our knowledge

Breakthrough Genomics
Classification: Uncertain significance. Review status: criteria provided, single submitter. Criteria: ACMG Guidelines, 2015. Collection method: not provided. Allele origin: germline. Inheritance: Autosomal recessive inheritance. Affected: yes.

NM_006070.6(TFG):c.944C>T (p.Pro315Leu)

Gene: TFG (trafficking from ER to golgi regulator; plus strand). Cytogenetic location: 3q12.2.
Variant type: single nucleotide variant.
Coding change: c.944C>T on transcript NM_006070.6 (MANE Select); coding-DNA position 944, C replaced by T.
Protein change: p.Pro315Leu; replaces proline 315 with leucine.
Molecular consequence: missense variant.
Genome position (GRCh38, 1-based): chr3:100,748,272, C>T. VCF-style: chr3-100748272-C-T. GRCh37 (hg19) VCF-style: chr3-100467116-C-T.
Other names: c.944C>T, p.Pro315Leu (NM_001007565.2, NM_001195478.2); c.932C>T, p.Pro311Leu (NM_001195479.2); short protein forms P315L, P311L.
Identifiers: ClinVar variation 534741 (VCV000534741.39), dbSNP rs753375115, ClinGen allele CA2517230.